The following is an entry in ClinVar:

NM_015272.5(RPGRIP1L):c.1831A>G (p.Ile611Val)

Gene: RPGRIP1L (RPGRIP1 like; minus strand). Cytogenetic location: 16q12.2.
Variant type: single nucleotide variant.
Coding change: c.1831A>G on transcript NM_015272.5 (MANE Select); coding-DNA position 1831, A replaced by G.
Protein change: p.Ile611Val; replaces isoleucine 611 with valine.
Molecular consequence: missense variant.
Genome position (GRCh38, 1-based): chr16:53,652,856, T>C on the plus strand (A>G on the coding strand, the complement: RPGRIP1L is on the minus strand). VCF-style: chr16-53652856-T-C. GRCh37 (hg19) VCF-style: chr16-53686768-T-C.
Other names: c.1831A>G, p.Ile611Val (NM_001127897.4, NM_001308334.3, NM_001330538.2); c.1831A>G (NM_015272.4); short protein forms I611V.
Identifiers: ClinVar variation 2058040 (VCV002058040.3), dbSNP rs758067896, ClinGen allele CA281344242.

ClinVar aggregate classification (germline): Uncertain significance. Review status: criteria provided, multiple submitters, no conflicts (2 of 4 stars). 3 submissions from 3 submitters: Uncertain significance (3). Last evaluated 2026-04-27.

Conditions:
RPGRIP1L-related disorder. Also called: RPGRIP1L-related disorders; RPGRIP1L-related condition. Identifiers: MedGen CN239416.
Inborn genetic diseases. Identifiers: MedGen C0950123, MeSH D030342.
Joubert syndrome. Also called: Familial aplasia of the vermis; JOUBERT-BOLTSHAUSER SYNDROME. Identifiers: Orphanet 475, MedGen C5979921, MONDO:0018772.
Meckel-Gruber syndrome. Also called: Dysencephalia splachnocystica; DYSENCEPHALIA SPLANCHNOCYSTICA; GRUBER SYNDROME. Identifiers: Orphanet 564, MedGen C0265215, MONDO:0018921.

Allele frequency attached by ClinVar (database versions not stated): gnomAD 0.00002; TOPMed 0.00002; gnomAD exomes 0.00003.
gnomAD v4.1: 43 of 1,612,884 alleles (0.0027%); highest among the groups gnomAD compares: Admixed American, 0.0033%; no homozygotes.

Submissions (3):

PreventionGenetics, part of Exact Sciences
Classification: Uncertain significance for RPGRIP1L-related condition. Last evaluated: 2026-04-27. Review status: criteria provided, single submitter. Criteria: ACMG Guidelines, 2015. Collection method: clinical testing. Allele origin: germline.
Comment: The RPGRIP1L c.1831A>G variant is predicted to result in the amino acid substitution p.Ile611Val. To our knowledge, this variant has not been reported in the literature. This variant is reported in 0.0058% of alleles in individuals of Latino descent in gnomAD. At this time, the clinical significance of this variant is uncertain due to the absence of conclusive functional and genetic evidence.

Ambry Genetics
Classification: Uncertain significance for Inborn genetic diseases. Last evaluated: 2022-11-17. Review status: criteria provided, single submitter. Criteria: Ambry Variant Classification Scheme 2023. Collection method: clinical testing. Allele origin: germline.

Labcorp Genetics (formerly Invitae), Labcorp
Classification: Uncertain significance for Joubert syndrome; Meckel-Gruber syndrome. Last evaluated: 2022-06-13. Review status: criteria provided, single submitter. Criteria: Invitae Variant Classification Sherloc (09022015). Collection method: clinical testing. Allele origin: germline.
Comment: This sequence change replaces isoleucine, which is neutral and non-polar, with valine, which is neutral and non-polar, at codon 611 of the RPGRIP1L protein (p.Ile611Val). This variant is present in population databases (rs758067896, gnomAD 0.006%). This variant has not been reported in the literature in individuals affected with RPGRIP1L-related conditions. Algorithms developed to predict the effect of missense changes on protein structure and function are either unavailable or do not agree on the potential impact of this missense change (SIFT: "Tolerated"; PolyPhen-2: "Possibly Damaging"; Align-GVGD: "Class C15"). In summary, the available evidence is currently insufficient to determine the role of this variant in disease. Therefore, it has been classified as a Variant of Uncertain Significance.